The following is an entry in ClinVar:

NM_004208.4(AIFM1):c.1805A>G (p.Asn602Ser)

Genes: AIFM1 (apoptosis inducing factor mitochondria associated 1; minus strand), RAB33A (RAB33A, member RAS oncogene family; plus strand). Cytogenetic location: Xq26.1.
Variant type: single nucleotide variant.
Coding change: c.1805A>G on transcript NM_004208.4 (MANE Select); coding-DNA position 1805, A replaced by G.
Protein change: p.Asn602Ser; replaces asparagine 602 with serine.
Molecular consequence: missense variant. On other transcripts: 3 prime UTR variant (1), non-coding transcript variant (1).
Genome position (GRCh38, 1-based): chrX:130,129,594, T>C on the plus strand (A>G on the coding strand, the complement: AIFM1 is on the minus strand). VCF-style: chrX-130129594-T-C. GRCh37 (hg19) VCF-style: chrX-129263569-T-C.
Other names: c.*1033A>G (NM_001130847.4); c.1793A>G, p.Asn598Ser (NM_145812.3); c.788A>G, p.Asn263Ser (NM_001130846.4); short protein forms N263S, N602S, N598S.
Identifiers: ClinVar variation 1036318 (VCV001036318.8), dbSNP rs147206884, ClinGen allele CA10515207.
Genomic context (GRCh38, chrX:130,129,594, plus strand): 5'-TTTGCCAATTCCACTGTGGGGCTTCAGTCTTCATGAATGTTGAATAGTTTGGCTACTTCA[T>C]TGAGATCTTCATGCTGCTCACCGTCCTTAATGATCTGAGGGAGAGAGAGTAACAATAGGT-3'
Protein context (NP_004199.1, residues 592-612): IKDGEQHEDL[Asn602Ser]EVAKLFNIHE

ClinVar aggregate classification (germline): Uncertain significance (1 of 4 stars; one submission).

Conditions:
Combined oxidative phosphorylation deficiency. Identifiers: MedGen C4540031, MONDO:0000732.
Charcot-Marie-Tooth Neuropathy X. Identifiers: MedGen CN118851.

Allele frequency attached by ClinVar (database versions not stated): ExAC 0.00001; gnomAD exomes 0.00001; ESP Exome Variant Server 0.00009.
gnomAD v4.1: 11 of 1,211,143 alleles (0.00091%); highest among the groups gnomAD compares: Middle Eastern, 0.023%; no homozygotes.

Submission:

Labcorp Genetics (formerly Invitae), Labcorp
Classification: Uncertain significance for Charcot-Marie-Tooth Neuropathy X; Combined oxidative phosphorylation deficiency. Last evaluated: 2020-03-22. Review status: criteria provided, single submitter. Criteria: Invitae Variant Classification Sherloc (09022015). Collection method: clinical testing. Allele origin: germline.
Comment: This variant has not been reported in the literature in individuals with AIFM1-related conditions. Algorithms developed to predict the effect of missense changes on protein structure and function (SIFT, PolyPhen-2, Align-GVGD) all suggest that this variant is likely to be tolerated, but these predictions have not been confirmed by published functional studies and their clinical significance is uncertain. In summary, the available evidence is currently insufficient to determine the role of this variant in disease. Therefore, it has been classified as a Variant of Uncertain Significance. This variant is present in population databases (rs147206884, ExAC 0.002%). This sequence change replaces asparagine with serine at codon 602 of the AIFM1 protein (p.Asn602Ser). The asparagine residue is moderately conserved and there is a small physicochemical difference between asparagine and serine.